The following is an entry in ClinVar:

NM_001128840.3(CACNA1D):c.1431G>C (p.Glu477Asp)

Gene: CACNA1D (calcium voltage-gated channel subunit alpha1 D; plus strand). Cytogenetic location: 3p21.1.
Variant type: single nucleotide variant.
Coding change: c.1431G>C on transcript NM_001128840.3 (MANE Select); coding-DNA position 1431, G replaced by C.
Protein change: p.Glu477Asp; replaces glutamic acid 477 with aspartic acid.
Molecular consequence: missense variant.
Genome position (GRCh38, 1-based): chr3:53,718,341, G>C. VCF-style: chr3-53718341-G-C. GRCh37 (hg19) VCF-style: chr3-53752368-G-C.
Other names: c.1431G>C, p.Glu477Asp (NM_000720.4, NM_001128839.3); short protein forms E477D.
Identifiers: ClinVar variation 3614708 (VCV003614708.2).
Genomic context (GRCh38, chr3:53,718,341, plus strand): 5'-AGCCCGTCTTCTCCCCACAGCTAGCATGCCCACCAGCGAGACTGAGTCTGTGAACACAGA[G>C]AACGTCAGCGGTGAAGGCGAGAACCGAGGCTGCTGTGGAAGTCTCTGGTGAGTGTGGGGA-3'
Protein context (NP_001122312.1, residues 467-487): PTSETESVNT[Glu477Asp]NVSGEGENRG

ClinVar aggregate classification (germline): Uncertain significance (1 of 4 stars; one submission).

gnomAD v4.1: 7 of 1,614,100 alleles (0.00043%); highest among the groups gnomAD compares: Admixed American, 0.0017%; no homozygotes.

Submission:

Labcorp Genetics (formerly Invitae), Labcorp
Classification: Uncertain significance. Last evaluated: 2025-01-18. Review status: criteria provided, single submitter. Criteria: Invitae Variant Classification Sherloc (09022015). Collection method: clinical testing. Allele origin: germline.
Comment: This sequence change replaces glutamic acid, which is acidic and polar, with aspartic acid, which is acidic and polar, at codon 477 of the CACNA1D protein (p.Glu477Asp). This variant is present in population databases (rs760909552, gnomAD 0.003%). This variant has not been reported in the literature in individuals affected with CACNA1D-related conditions. Invitae Evidence Modeling of protein sequence and biophysical properties (such as structural, functional, and spatial information, amino acid conservation, physicochemical variation, residue mobility, and thermodynamic stability) indicates that this missense variant is not expected to disrupt CACNA1D protein function with a negative predictive value of 80%. In summary, the available evidence is currently insufficient to determine the role of this variant in disease. Therefore, it has been classified as a Variant of Uncertain Significance.